The following is an entry in ClinVar:

ClinVar aggregate classification (germline): Pathogenic (1 of 4 stars; one submission).

Submission:

Labcorp Genetics (formerly Invitae), Labcorp
Classification: Pathogenic. Last evaluated: 2025-03-31. Review status: criteria provided, single submitter. Criteria: Invitae Variant Classification Sherloc (09022015). Collection method: clinical testing. Allele origin: germline.
Comment: This sequence change creates a premature translational stop signal (p.Gln123*) in the NR2E3 gene. It is expected to result in an absent or disrupted protein product. Loss-of-function variants in NR2E3 are known to be pathogenic (PMID: 15459973, 27522502). This variant is not present in population databases (gnomAD no frequency). This variant has not been reported in the literature in individuals affected with NR2E3-related conditions. ClinVar contains an entry for this variant (Variation ID: 2002490). For these reasons, this variant has been classified as Pathogenic.

Literature cited by the submitters: PubMed 15459973; PubMed 27522502.

NM_014249.4(NR2E3):c.367C>T (p.Gln123Ter)

Gene: NR2E3 (nuclear receptor subfamily 2 group E member 3; plus strand). Cytogenetic location: 15q23.
Variant type: single nucleotide variant.
Coding change: c.367C>T on transcript NM_014249.4 (MANE Select); coding-DNA position 367, C replaced by T.
Protein change: p.Gln123Ter; replaces glutamine 123 with a stop codon.
Molecular consequence: nonsense.
Genome position (GRCh38, 1-based): chr15:71,811,972, C>T. VCF-style: chr15-71811972-C-T. GRCh37 (hg19) VCF-style: chr15-72104312-C-T.
Other names: c.367C>T, p.Gln123Ter (NM_016346.4); short protein forms Q123*.
Identifiers: ClinVar variation 2002490 (VCV002002490.4), dbSNP rs2543254082, ClinGen allele CA393033823.